The following is an entry in ClinVar:

ClinVar aggregate classification (germline): Uncertain significance (1 of 4 stars; one submission).

gnomAD v4.1: 1 of 1,209,399 alleles (0.000083%); highest among the groups gnomAD compares: Non-Finnish European, 0.00011%; no homozygotes.

Submission:

GeneDx
Classification: Uncertain significance. Last evaluated: 2024-06-24. Review status: criteria provided, single submitter. Criteria: GeneDx Variant Classification Process June 2021. Collection method: clinical testing. Allele origin: germline. Affected: yes.
Comment: In silico analysis indicates that this missense variant does not alter protein structure/function; Not observed at significant frequency in large population cohorts (gnomAD); Has not been previously published as pathogenic or benign to our knowledge

NM_004114.5(FGF13):c.719G>A (p.Ser240Asn)

Gene: FGF13 (fibroblast growth factor 13; minus strand). Cytogenetic location: Xq26.3.
Variant type: single nucleotide variant.
Coding change: c.719G>A on transcript NM_004114.5 (MANE Select); coding-DNA position 719, G replaced by A.
Protein change: p.Ser240Asn; replaces serine 240 with asparagine.
Molecular consequence: missense variant.
Genome position (GRCh38, 1-based): chrX:138,632,869, C>T on the plus strand (G>A on the coding strand, the complement: FGF13 is on the minus strand). VCF-style: chrX-138632869-C-T. GRCh37 (hg19) VCF-style: chrX-137715030-C-T.
Other names: c.581G>A, p.Ser194Asn (NM_001139498.2); c.749G>A, p.Ser250Asn (NM_001139500.2); c.662G>A, p.Ser221Asn (NM_001139501.2, NM_001139502.2); c.560G>A, p.Ser187Asn (NM_033642.3); short protein forms S187N, S194N, S221N, S240N, S250N.
Identifiers: ClinVar variation 3392828 (VCV003392828.1).